The following is an entry in ClinVar:

NM_004517.4(ILK):c.978+3G>A

Genes: TAF10 (TATA-box binding protein associated factor 10; minus strand), ILK (integrin linked kinase; plus strand). Cytogenetic location: 11p15.4.
Variant type: single nucleotide variant.
Coding change: c.978+3G>A on transcript NM_004517.4 (MANE Select); 3 bases into the intron after coding-DNA position 978, G replaced by A.
Molecular consequence: intron variant. On other transcripts: 3 prime UTR variant (1).
Genome position (GRCh38, 1-based): chr11:6,609,848, G>A. VCF-style: chr11-6609848-G-A. GRCh37 (hg19) VCF-style: chr11-6631079-G-A.
Other names: c.*1074C>T (NM_006284.4); c.978+3G>A (NM_001014795.3, NM_001014794.3); c.795+3G>A (NM_001278441.2); c.576+3G>A (NM_001278442.2).
Identifiers: ClinVar variation 3006070 (VCV003006070.3), dbSNP rs1319649182, ClinGen allele CA597439510.

ClinVar aggregate classification (germline): Uncertain significance (1 of 4 stars; one submission).

Conditions:
Primary familial hypertrophic cardiomyopathy (HCM). Identifiers: Orphanet 99739, MedGen C0949658, MeSH D024741, MONDO:0024573. Inheritance: Various modes of inheritance.

Allele frequency attached by ClinVar (database versions not stated): gnomAD exomes below 0.00001; gnomAD 0.00001.
gnomAD v4.1: 4 of 1,614,082 alleles (0.00025%); highest among the groups gnomAD compares: African/African-American, 0.004%; no homozygotes.

Submission:

Labcorp Genetics (formerly Invitae), Labcorp
Classification: Uncertain significance for Primary familial hypertrophic cardiomyopathy. Last evaluated: 2024-10-10. Review status: criteria provided, single submitter. Criteria: Invitae Variant Classification Sherloc (09022015). Collection method: clinical testing. Allele origin: germline.
Comment: This sequence change falls in intron 10 of the ILK gene. It does not directly change the encoded amino acid sequence of the ILK protein. It affects a nucleotide within the consensus splice site. This variant is present in population databases (no rsID available, gnomAD 0.007%). This variant has not been reported in the literature in individuals affected with ILK-related conditions. Variants that disrupt the consensus splice site are a relatively common cause of aberrant splicing (PMID: 17576681, 9536098). Algorithms developed to predict the effect of sequence changes on RNA splicing suggest that this variant is not likely to affect RNA splicing. In summary, the available evidence is currently insufficient to determine the role of this variant in disease. Therefore, it has been classified as a Variant of Uncertain Significance.

Literature cited by the submitters: PubMed 17576681; PubMed 9536098.